The following is an entry in ClinVar:

NM_001379610.1(SPINK1):c.173G>A (p.Cys58Tyr)

Gene: SPINK1 (serine peptidase inhibitor Kazal type 1; minus strand). Cytogenetic location: 5q32.
Variant type: single nucleotide variant.
Coding change: c.173G>A on transcript NM_001379610.1 (MANE Select); coding-DNA position 173, G replaced by A.
Protein change: p.Cys58Tyr; replaces cysteine 58 with tyrosine.
Molecular consequence: missense variant.
Genome position (GRCh38, 1-based): chr5:147,828,043, C>T on the plus strand (G>A on the coding strand, the complement: SPINK1 is on the minus strand). VCF-style: chr5-147828043-C-T. GRCh37 (hg19) VCF-style: chr5-147207606-C-T.
Other names: c.173G>A, p.Cys58Tyr (NM_001354966.2, NM_003122.5); c.173G>A (NM_003122.4); short protein forms C58Y.
Identifiers: ClinVar variation 3223132 (VCV003223132.2), dbSNP rs756166467, ClinGen allele CA3494781.

ClinVar aggregate classification (germline): Uncertain significance. Review status: criteria provided, multiple submitters, no conflicts (2 of 4 stars). 2 submissions from 2 submitters: Uncertain significance (2). Last evaluated 2026-07-15.

Conditions:
SPINK1-related disorder. Also called: SPINK1-related condition.
Hereditary pancreatitis (PCTT). Also called: PRSS1-Related Hereditary Pancreatitis; Hereditary chronic pancreatitis. Identifiers: Orphanet 676, MedGen C0238339, MONDO:0008185, OMIM 167800.

Allele frequency attached by ClinVar (database versions not stated): ExAC 0.00001.

Submissions (2):

PreventionGenetics, part of Exact Sciences
Classification: Uncertain significance for SPINK1-related condition. Last evaluated: 2026-07-15. Review status: criteria provided, single submitter. Criteria: ACMG Guidelines, 2015. Collection method: clinical testing. Allele origin: germline.
Comment: The SPINK1 c.173G>A variant is predicted to result in the amino acid substitution p.Cys58Tyr. To our knowledge, this variant has not been reported in the literature. This variant is reported in 0.00088% of alleles in individuals of European (Non-Finnish) descent in gnomAD. At this time, the clinical significance of this variant is uncertain due to the absence of conclusive functional and genetic evidence.

Ambry Genetics
Classification: Uncertain significance for Hereditary pancreatitis. Last evaluated: 2024-02-25. Review status: criteria provided, single submitter. Criteria: Ambry Variant Classification Scheme 2023. Collection method: clinical testing. Allele origin: germline.
Comment: The p.C58Y variant (also known as c.173G>A), located in coding exon 3 of the SPINK1 gene, results from a G to A substitution at nucleotide position 173. The cysteine at codon 58 is replaced by tyrosine, an amino acid with highly dissimilar properties. This amino acid position is conserved. In addition, this alteration is predicted to be deleterious by in silico analysis. Based on the available evidence, the clinical significance of this alteration remains unclear.